The following is an entry in ClinVar:

NM_003118.4(SPARC):c.36C>T (p.Ala12=)

Gene: SPARC (secreted protein acidic and cysteine rich; minus strand). Cytogenetic location: 5q33.1.
Variant type: single nucleotide variant.
Coding change: c.36C>T on transcript NM_003118.4 (MANE Select); coding-DNA position 36, C replaced by T.
Protein change: p.Ala12=; no amino-acid change (alanine 12 retained).
Molecular consequence: synonymous variant.
Genome position (GRCh38, 1-based): chr5:151,676,153, G>A on the plus strand (C>T on the coding strand, the complement: SPARC is on the minus strand). VCF-style: chr5-151676153-G-A. GRCh37 (hg19) VCF-style: chr5-151055714-G-A.
Other names: p.Ala12=; c.36C>T, p.Ala12= (NM_001309443.2, NM_001309444.2).
Identifiers: ClinVar variation 1343564 (VCV001343564.11), dbSNP rs200112320, ClinGen allele CA3522849.

ClinVar aggregate classification (germline): Likely benign. Review status: criteria provided, multiple submitters, no conflicts (2 of 4 stars). 4 submissions from 4 submitters: Likely benign (4). Last evaluated 2025-12-29.

Allele frequency attached by ClinVar (database versions not stated): 1000 Genomes Project 30x 0.00016; 1000 Genomes Project 0.00020; TOPMed 0.00022; gnomAD exomes 0.00029; gnomAD 0.00030 and 0.00031; ExAC 0.00042; ESP Exome Variant Server 0.00046.
gnomAD v4.1: 669 of 1,612,320 alleles (0.041%); highest among the groups gnomAD compares: Non-Finnish European, 0.053%; no homozygotes.

Submissions (4):

Labcorp Genetics (formerly Invitae), Labcorp
Classification: Likely benign. Last evaluated: 2025-12-29. Review status: criteria provided, single submitter. Criteria: Invitae Variant Classification Sherloc (09022015). Collection method: clinical testing. Allele origin: germline.

Mayo Clinic Laboratories, Mayo Clinic
Classification: Likely benign. Last evaluated: 2025-11-24. Review status: criteria provided, single submitter. Criteria: ACMG Guidelines, 2015. Collection method: clinical testing. Allele origin: germline. Observed: 3 variant alleles.
Comment: BP4, BP7

Blueprint Genetics
Classification: Likely benign. Last evaluated: 2024-11-25. Review status: criteria provided, single submitter. Criteria: ACMG Guidelines, 2015. Collection method: clinical testing. Allele origin: germline.

Women's Health and Genetics/Laboratory Corporation of America, LabCorp
Classification: Likely benign. Last evaluated: 2022-02-28. Review status: criteria provided, single submitter. Criteria: LabCorp Variant Classification Summary - May 2015. Collection method: clinical testing. Allele origin: germline.
Comment: Variant summary: SPARC c.36C>T alters a non-conserved nucleotide resulting in a synonymous change. 4/4 computational tools predict no significant impact on normal splicing. However, these predictions have yet to be confirmed by functional studies. To our knowledge, no occurrence of c.36C>T in individuals affected with Osteogenesis Imperfecta, Type Xvii and no experimental evidence demonstrating its impact on protein function have been reported. No clinical diagnostic laboratories have submitted clinical-significance assessments for this variant to ClinVar after 2014. Based on the evidence outlined above, the variant was classified as likely benign.